The following is an entry in ClinVar:

NM_018263.6(ASXL2):c.2911C>G (p.Pro971Ala)

Gene: ASXL2 (ASXL transcriptional regulator 2; minus strand). Cytogenetic location: 2p23.3.
Variant type: single nucleotide variant.
Coding change: c.2911C>G on transcript NM_018263.6 (MANE Select); coding-DNA position 2911, C replaced by G.
Protein change: p.Pro971Ala; replaces proline 971 with alanine.
Molecular consequence: missense variant.
Genome position (GRCh38, 1-based): chr2:25,743,426, G>C on the plus strand (C>G on the coding strand, the complement: ASXL2 is on the minus strand). VCF-style: chr2-25743426-G-C. GRCh37 (hg19) VCF-style: chr2-25966295-G-C.
Other names: c.2737C>G, p.Pro913Ala (NM_001369346.1); c.2131C>G, p.Pro711Ala (NM_001369347.1); short protein forms P711A, P971A, P913A.
Identifiers: ClinVar variation 2520503 (VCV002520503.4), dbSNP rs907801837, ClinGen allele CA346080038.

ClinVar aggregate classification (germline): Uncertain significance. Review status: criteria provided, multiple submitters, no conflicts (2 of 4 stars). 2 submissions from 2 submitters: Uncertain significance (2). Last evaluated 2025-09-09.

Conditions:
Inborn genetic diseases. Identifiers: MedGen C0950123, MeSH D030342.

Allele frequency attached by ClinVar (database versions not stated): gnomAD exomes 0.00001; gnomAD 0.00003.
gnomAD v4.1: 13 of 1,613,732 alleles (0.00081%); highest among the groups gnomAD compares: Non-Finnish European, 0.0011%; no homozygotes.

Submissions (2):

Ambry Genetics
Classification: Uncertain significance for Inborn genetic diseases. Last evaluated: 2025-09-09. Review status: criteria provided, single submitter. Criteria: Ambry Variant Classification Scheme 2023. Collection method: clinical testing. Allele origin: germline.

Women's Health and Genetics/Laboratory Corporation of America, LabCorp
Classification: Uncertain significance. Last evaluated: 2025-02-06. Review status: criteria provided, single submitter. Criteria: LabCorp Variant Classification Summary - May 2015. Collection method: clinical testing. Allele origin: germline.
Comment: Variant summary: ASXL2 c.2911C>G (p.Pro971Ala) results in a non-conservative amino acid change in the encoded protein sequence. Four of five in-silico tools predict a damaging effect of the variant on protein function. The variant was absent in 247016 control chromosomes. The available data on variant occurrences in the general population are insufficient to allow any conclusion about variant significance. To our knowledge, no occurrence of c.2911C>G in individuals affected with Shashi-Pena Syndrome and no experimental evidence demonstrating its impact on protein function have been reported. ClinVar contains an entry for this variant (Variation ID: 2520503). Based on the evidence outlined above, the variant was classified as uncertain significance.